The following is an entry in ClinVar:

NM_001379110.1(SLC9A6):c.2006A>G (p.Asn669Ser)

Gene: SLC9A6 (solute carrier family 9 member A6; plus strand). Cytogenetic location: Xq26.3.
Variant type: single nucleotide variant.
Coding change: c.2006A>G on transcript NM_001379110.1 (MANE Select); coding-DNA position 2006, A replaced by G.
Protein change: p.Asn669Ser; replaces asparagine 669 with serine.
Molecular consequence: missense variant.
Genome position (GRCh38, 1-based): chrX:136,044,690, A>G. VCF-style: chrX-136044690-A-G. GRCh37 (hg19) VCF-style: chrX-135126849-A-G.
Other names: c.2072A>G, p.Asn691Ser (NM_001042537.2); c.1916A>G, p.Asn639Ser (NM_001177651.2); c.1820A>G, p.Asn607Ser (NM_001330652.2); c.1976A>G, p.Asn659Ser (NM_006359.3); short protein forms N659S, N691S, N607S, N639S, N669S.
Identifiers: ClinVar variation 1427075 (VCV001427075.8), dbSNP rs370119753, ClinGen allele CA336249947.

ClinVar aggregate classification (germline): Uncertain significance (1 of 4 stars; one submission).

Conditions:
Christianson syndrome (MRXSCH). Also called: X-linked mental retardation, syndromic, Christianson type; INTELLECTUAL DEVELOPMENTAL DISORDER, X-LINKED, SYNDROMIC, CHRISTIANSON TYPE; SLC9A6-Related Syndromic Mental Retardation. Identifiers: Orphanet 85278, MedGen C2678194, MONDO:0010278, OMIM 300243.

Allele frequency attached by ClinVar (database versions not stated): gnomAD exomes below 0.00001; TOPMed below 0.00001; gnomAD 0.00001; ESP Exome Variant Server 0.00009.
gnomAD v4.1: 5 of 1,209,090 alleles (0.00041%); highest among the groups gnomAD compares: Non-Finnish European, 0.00056%; no homozygotes.

Submission:

Labcorp Genetics (formerly Invitae), Labcorp
Classification: Uncertain significance for Christianson syndrome. Last evaluated: 2023-05-01. Review status: criteria provided, single submitter. Criteria: Invitae Variant Classification Sherloc (09022015). Collection method: clinical testing. Allele origin: germline.
Comment: In summary, the available evidence is currently insufficient to determine the role of this variant in disease. Therefore, it has been classified as a Variant of Uncertain Significance. An algorithm developed to predict the effect of missense changes on protein structure and function (PolyPhen-2) suggests that this variant is likely to be tolerated. ClinVar contains an entry for this variant (Variation ID: 1427075). This variant has not been reported in the literature in individuals affected with SLC9A6-related conditions. This variant is not present in population databases (gnomAD no frequency). This sequence change replaces asparagine, which is neutral and polar, with serine, which is neutral and polar, at codon 659 of the SLC9A6 protein (p.Asn659Ser).